The following is an entry in ClinVar:

ClinVar aggregate classification (germline): Uncertain significance (1 of 4 stars; one submission).

Conditions:
Ataxia-telangiectasia syndrome (AT). Also called: Cerebello-oculocutaneous telangiectasia; ATAXIA-TELANGIECTASIA, COMPLEMENTATION GROUP A; ATAXIA-TELANGIECTASIA, FRESNO VARIANT; Ataxia-telangiectasia, complementation group D; AT, COMPLEMENTATION GROUP C; Immunodeficiency with ataxia telangiectasia. Identifiers: Orphanet 100, MedGen C0004135, MONDO:0008840, OMIM 208900.

Submission:

Labcorp Genetics (formerly Invitae), Labcorp
Classification: Uncertain significance for Ataxia-telangiectasia syndrome. Last evaluated: 2022-07-20. Review status: criteria provided, single submitter. Criteria: Invitae Variant Classification Sherloc (09022015). Collection method: clinical testing. Allele origin: germline.
Comment: In summary, the available evidence is currently insufficient to determine the role of this variant in disease. Therefore, it has been classified as a Variant of Uncertain Significance. Advanced modeling of protein sequence and biophysical properties (such as structural, functional, and spatial information, amino acid conservation, physicochemical variation, residue mobility, and thermodynamic stability) performed at Invitae indicates that this missense variant is not expected to disrupt ATM protein function. This variant has not been reported in the literature in individuals affected with ATM-related conditions. This variant is not present in population databases (gnomAD no frequency). This sequence change replaces glutamic acid, which is acidic and polar, with glutamine, which is neutral and polar, at codon 650 of the ATM protein (p.Glu650Gln).

NM_000051.4(ATM):c.1948G>C (p.Glu650Gln)

Gene: ATM (ATM serine/threonine kinase; plus strand). Cytogenetic location: 11q22.3.
Variant type: single nucleotide variant.
Coding change: c.1948G>C on transcript NM_000051.4 (MANE Select); coding-DNA position 1948, G replaced by C.
Protein change: p.Glu650Gln; replaces glutamic acid 650 with glutamine.
Molecular consequence: missense variant.
Genome position (GRCh38, 1-based): chr11:108,253,863, G>C. VCF-style: chr11-108253863-G-C. GRCh37 (hg19) VCF-style: chr11-108124590-G-C.
Other names: c.1948G>C, p.Glu650Gln (NM_001351834.2); short protein forms E650Q.
Identifiers: ClinVar variation 1719973 (VCV001719973.5), dbSNP rs2135367169, ClinGen allele CA382536671.